The following is an entry in ClinVar:

NM_000138.5(FBN1):c.1876G>A (p.Gly626Arg)

Gene: FBN1 (fibrillin 1; minus strand). Cytogenetic location: 15q21.1.
Variant type: single nucleotide variant.
Coding change: c.1876G>A on transcript NM_000138.5 (MANE Select); coding-DNA position 1876, G replaced by A.
Protein change: p.Gly626Arg; replaces glycine 626 with arginine.
Molecular consequence: missense variant.
Genome position (GRCh38, 1-based): chr15:48,505,109, C>T on the plus strand (G>A on the coding strand, the complement: FBN1 is on the minus strand). VCF-style: chr15-48505109-C-T. GRCh37 (hg19) VCF-style: chr15-48797306-C-T.
Other names: short protein forms G626R.
Identifiers: ClinVar variation 263953 (VCV000263953.11), dbSNP rs794728177, ClinGen allele CA10587855.
Genomic context (GRCh38, chr15:48,505,109, plus strand): 5'-CCACAGCCAGTCCAGGGAAGCATTCACATCTGTAGGAGCCATCAGTGTTGACGCAACGCC[C>T]ATTCATGCAGATCCCAGGGGTTTCACACTCGTTAATGTCTGTGGCAGAGAAAGGCACTTA-3'
Protein context (NP_000129.3, residues 616-636): ECETPGICMN[Gly626Arg]RCVNTDGSYR

ClinVar aggregate classification (germline): Conflicting classifications of pathogenicity. Review status: criteria provided, conflicting classifications (1 of 4 stars). 5 submissions from 5 submitters: Pathogenic (2); Likely pathogenic (2); Uncertain significance (1). Last evaluated 2026-05-11.

Conditions:
Cardiovascular phenotype. Identifiers: MedGen CN230736.
Marfan Syndrome/Loeys-Dietz Syndrome/Familial Thoracic Aortic Aneurysms and Dissections. Identifiers: MedGen CN229799.
Marfan syndrome (MFS). Also called: MARFAN SYNDROME, TYPE I; FBN1-Related Marfan Syndrome; Marfan syndrome, classic; Marfan syndrome type 1; Marfan's syndrome. Identifiers: Orphanet 284963, Orphanet 558, MedGen C0024796, MONDO:0007947, OMIM 154700.
Familial thoracic aortic aneurysm and aortic dissection (TAAD). Also called: Thoracic aortic aneurysms and dissections. Identifiers: Orphanet 91387, MedGen C4707243, MONDO:0019625.

Submissions (5):

Women's Health and Genetics/Laboratory Corporation of America, LabCorp
Classification: Pathogenic for Marfan Syndrome/Loeys-Dietz Syndrome/Familial Thoracic Aortic Aneurysms and Dissections. Last evaluated: 2026-05-11. Review status: criteria provided, single submitter. Criteria: LabCorp Variant Classification Summary - May 2015. Collection method: clinical testing. Allele origin: germline.
Comment: Variant summary: FBN1 c.1876G>A (p.Gly626Arg) results in a non-conservative amino acid change in the encoded protein sequence. Algorithms developed to predict the effect of missense changes on protein structure and function all suggest that this variant is likely to be disruptive. The variant was absent in 251426 control chromosomes. c.1876G>A has been observed in individual(s) affected with FBN1-related disorders. In at least one individual the variant was observed to be de novo. These data indicate that the variant may be associated with disease. To our knowledge, no experimental evidence demonstrating an impact on protein function has been reported. The following publications have been ascertained in the context of this evaluation (PMID: 26787436). ClinVar contains an entry for this variant (Variation ID: 263953). Based on the evidence outlined above, the variant was classified as pathogenic.

Ambry Genetics
Classification: Likely pathogenic for Familial thoracic aortic aneurysm and aortic dissection. Last evaluated: 2026-03-05. Review status: criteria provided, single submitter. Criteria: Ambry Variant Classification Scheme 2023. Collection method: clinical testing. Allele origin: germline.
Comment: The p.G626R variant (also known as c.1876G>A), located in coding exon 15 of the FBN1 gene, results from a G to A substitution at nucleotide position 1876. The glycine at codon 626 is replaced by arginine, an amino acid with dissimilar properties. This variant was reported in individual(s) with features consistent with Marfan syndrome or aortic aneurysm; in at least one individual, it was determined to be de novo (Franken R. Eur Heart J . 2016 Nov;37(43):3285-3290; external commiunication; Ambry internal data). This variant alters a critical glycine in a sterically constrained region and is expected to disrupt FBN1 function (Van Kien PK et al. Hum Mutat. 2010;31(1):E1021-42). This amino acid position is highly conserved in available vertebrate species. In addition, this alteration is predicted to be deleterious by in silico analysis. This variant is considered to be rare based on population cohorts in the Genome Aggregation Database (gnomAD). Based on the majority of available evidence to date, this variant is likely to be pathogenic.

Labcorp Genetics (formerly Invitae), Labcorp
Classification: Pathogenic for Marfan syndrome; Familial thoracic aortic aneurysm and aortic dissection. Last evaluated: 2025-04-01. Review status: criteria provided, single submitter. Criteria: Invitae Variant Classification Sherloc (09022015). Collection method: clinical testing. Allele origin: germline.
Comment: This sequence change replaces glycine, which is neutral and non-polar, with arginine, which is basic and polar, at codon 626 of the FBN1 protein (p.Gly626Arg). This variant is not present in population databases (gnomAD no frequency). This missense change has been observed in individual(s) with FBN1-related conditions (PMID: 26787436; internal data). In at least one individual the variant was observed to be de novo. ClinVar contains an entry for this variant (Variation ID: 263953). Invitae Evidence Modeling of protein sequence and biophysical properties (such as structural, functional, and spatial information, amino acid conservation, physicochemical variation, residue mobility, and thermodynamic stability) indicates that this missense variant is expected to disrupt FBN1 protein function with a positive predictive value of 95%. For these reasons, this variant has been classified as Pathogenic.

Molecular Diagnostic Laboratory for Inherited Cardiovascular Disease, Montreal Heart Institute
Classification: Likely pathogenic for Cardiovascular phenotype. Last evaluated: 2024-07-08. Review status: criteria provided, single submitter. Criteria: ACMG Guidelines, 2015. Collection method: clinical testing. Allele origin: germline. Affected: yes.
Comment: PM1, PM2, PS4_supp, PP2, PP3, PP4

ARUP Laboratories, Molecular Genetics and Genomics, ARUP Laboratories
Classification: Uncertain significance. Last evaluated: 2024-02-13. Review status: criteria provided, single submitter. Criteria: ARUP Molecular Germline Variant Investigation Process 2024. Collection method: clinical testing. Allele origin: germline.
Comment: The FBN1 c.1876G>A; p.Gly626Arg variant (rs794728177) is reported in the literature in two individuals affected with Marfan syndrome (Franken 2016). This variant is reported in ClinVar (Variation ID: 263953). This variant is absent from the Genome Aggregation Database (v2.1.1), indicating it is not a common polymorphism. Computational analyses predict that this variant is deleterious (REVEL: 0.893). Due to limited information, the clinical significance of this variant is uncertain at this time. References: Franken R et al. Genotype impacts survival in Marfan syndrome. Eur Heart J. 2016 Nov 14;37(43):3285-3290. PMID: 26787436.

Literature cited by the submitters: PubMed 26787436 (cited by 3 submitters).